The following is an entry in ClinVar:

NM_000789.4(ACE):c.3490G>A (p.Gly1164Arg)

Gene: ACE (angiotensin I converting enzyme; plus strand). Cytogenetic location: 17q23.3.
Variant type: single nucleotide variant.
Coding change: c.3490G>A on transcript NM_000789.4 (MANE Select); coding-DNA position 3490, G replaced by A.
Protein change: p.Gly1164Arg; replaces glycine 1164 with arginine.
Molecular consequence: missense variant. On other transcripts: non-coding transcript variant (1), intron variant (2).
Genome position (GRCh38, 1-based): chr17:63,496,503, G>A. VCF-style: chr17-63496503-G-A. GRCh37 (hg19) VCF-style: chr17-61573864-G-A.
Other names: c.2923G>A, p.Gly975Arg (NM_001382700.1); c.2638G>A, p.Gly880Arg (NM_001382701.1); c.1768G>A, p.Gly590Arg (NM_152830.3); c.1659-295G>A (NM_001178057.2); c.1119-295G>A (NM_001382702.1); short protein forms G880R, G1164R, G590R, G975R.
Identifiers: ClinVar variation 3582580 (VCV003582580.2).
Genomic context (GRCh38, chr17:63,496,503, plus strand): 5'-CAGGCAGCTGGCCACACGGGCCCCCTGCACAAGTGTGACATCTACCAGTCCAAGGAGGCC[G>A]GGCAGCGCCTGGCGTGAGTGTCCTCCAGCCCTCCTTTGTTTCCATGCTCTGGCCTGCGCC-3'
Protein context (NP_000780.1, residues 1154-1174): KCDIYQSKEA[Gly1164Arg]QRLATAMKLG

ClinVar aggregate classification (germline): Uncertain significance. Review status: criteria provided, multiple submitters, no conflicts (2 of 4 stars). 2 submissions from 2 submitters: Uncertain significance (2). Last evaluated 2024-03-25.

Conditions:
Renal tubular dysgenesis of genetic origin. Also called: PRIMITIVE RENAL TUBULE SYNDROME. Identifiers: Orphanet 97369, MedGen C5681536, MONDO:0009970, OMIM 267430.
Hemorrhage, intracerebral, susceptibility to (ICH). Also called: Stroke, hemorrhagic, susceptibility to. Identifiers: MedGen C3281105, MONDO:0100533, OMIM 614519.
Microvascular complications of diabetes, susceptibility to, 3. Identifiers: MedGen C2675470, MONDO:0012963, OMIM 612624.

gnomAD v4.1: 139 of 1,614,112 alleles (0.0086%); highest among the groups gnomAD compares: Non-Finnish European, 0.01%; no homozygotes.

Submissions (2):

Labcorp Genetics (formerly Invitae), Labcorp
Classification: Uncertain significance. Last evaluated: 2024-03-25. Review status: criteria provided, single submitter. Criteria: Invitae Variant Classification Sherloc (09022015). Collection method: clinical testing. Allele origin: germline.
Comment: This sequence change replaces glycine, which is neutral and non-polar, with arginine, which is basic and polar, at codon 1164 of the ACE protein (p.Gly1164Arg). This variant is present in population databases (rs145579007, gnomAD 0.01%). This variant has not been reported in the literature in individuals affected with ACE-related conditions. Advanced modeling of protein sequence and biophysical properties (such as structural, functional, and spatial information, amino acid conservation, physicochemical variation, residue mobility, and thermodynamic stability) performed at Invitae indicates that this missense variant is expected to disrupt ACE protein function with a positive predictive value of 80%. In summary, the available evidence is currently insufficient to determine the role of this variant in disease. Therefore, it has been classified as a Variant of Uncertain Significance.

Fulgent Genetics
Classification: Uncertain significance for Renal tubular dysgenesis of genetic origin; Microvascular complications of diabetes, susceptibility to, 3; Hemorrhage, intracerebral, susceptibility to. Last evaluated: 2024-01-05. Review status: criteria provided, single submitter. Criteria: ACMG Guidelines, 2015. Collection method: clinical testing. Allele origin: germline.